The following is an entry in ClinVar:

ClinVar aggregate classification (germline): Uncertain significance (1 of 4 stars; one submission).

Conditions:
Congenital myasthenic syndrome 19. Identifiers: Orphanet 590, MedGen C4225235, MONDO:0014745, OMIM 616720.

gnomAD v4.1: 2 of 1,613,954 alleles (0.00012%); highest among the groups gnomAD compares: South Asian, 0.0022%; no homozygotes.

Submission:

3billion
Classification: Uncertain significance for Congenital myasthenic syndrome 19. Last evaluated: 2023-11-20. Review status: criteria provided, single submitter. Criteria: ACMG Guidelines, 2015. Collection method: clinical testing. Allele origin: germline. Affected: yes.
Comment: The variant is observed at an extremely low frequency in the gnomAD v2.1.1 dataset (total allele frequency: <0.001%). Predicted Consequence/Location: The majority of the known disease-causing variants of this gene are variants expected to result in premature termination of the protein. Premature termination of the protein is a common disease-causing mechanism for this gene. In silico tool predictions suggest damaging effect of the variant on gene or gene product [REVEL: 0.98 (>=0.6, sensitivity 0.68 and specificity 0.92)]. Therefore, this variant is classified as VUS according to the recommendation of ACMG/AMP guideline.

NM_001368882.1(COL13A1):c.1487G>A (p.Gly496Glu)

Gene: COL13A1 (collagen type XIII alpha 1 chain; plus strand). Cytogenetic location: 10q22.1.
Variant type: single nucleotide variant.
Coding change: c.1487G>A on transcript NM_001368882.1 (MANE Select); coding-DNA position 1487, G replaced by A.
Protein change: p.Gly496Glu; replaces glycine 496 with glutamic acid.
Molecular consequence: missense variant.
Genome position (GRCh38, 1-based): chr10:69,930,044, G>A. VCF-style: chr10-69930044-G-A. GRCh37 (hg19) VCF-style: chr10-71689800-G-A.
Other names: c.1454G>A, p.Gly485Glu (NM_001130103.2); c.1424G>A, p.Gly475Glu (NM_001320951.2, NM_001368884.1); c.1451G>A, p.Gly484Glu (NM_001368883.1); c.1388G>A, p.Gly463Glu (NM_001368885.1, NM_080801.4, NM_080802.4); c.824G>A, p.Gly275Glu (NM_001368886.1); c.1397G>A, p.Gly466Glu (NM_001368895.1, NM_080800.4); c.1283G>A, p.Gly428Glu (NM_001368896.1, NM_001368898.1, NM_080798.4); c.1310G>A, p.Gly437Glu (NM_001368897.1); and 1 more; short protein forms G275E, G428E, G434E, G437E, G463E, G466E, G475E, G484E.
Identifiers: ClinVar variation 3775511 (VCV003775511.1).